The following is an entry in ClinVar:

ClinVar aggregate classification (germline): Uncertain significance (1 of 4 stars; one submission).

gnomAD v4.1: 24 of 1,613,616 alleles (0.0015%); highest among the groups gnomAD compares: Non-Finnish European, 0.0012%; no homozygotes.

Submission:

Labcorp Genetics (formerly Invitae), Labcorp
Classification: Uncertain significance. Last evaluated: 2025-12-29. Review status: criteria provided, single submitter. Criteria: Invitae Variant Classification Sherloc (09022015). Collection method: clinical testing. Allele origin: germline.
Comment: This sequence change falls in intron 5 of the P4HB gene. It does not directly change the encoded amino acid sequence of the P4HB protein. It affects a nucleotide within the consensus splice site. This variant is present in population databases (rs765297534, gnomAD 0.004%). This variant has not been reported in the literature in individuals affected with P4HB-related conditions. Variants that disrupt the consensus splice site are a relatively common cause of aberrant splicing (PMID: 17576681, 9536098). Algorithms developed to predict the effect of sequence changes on RNA splicing suggest that this variant is not likely to affect RNA splicing. In summary, the available evidence is currently insufficient to determine the role of this variant in disease. Therefore, it has been classified as a Variant of Uncertain Significance.

Literature cited by the submitters: PubMed 17576681; PubMed 9536098.

NM_000918.4(P4HB):c.729+5G>A

Gene: P4HB (prolyl 4-hydroxylase subunit beta; minus strand). Cytogenetic location: 17q25.3.
Variant type: single nucleotide variant.
Coding change: c.729+5G>A on transcript NM_000918.4 (MANE Select); 5 bases into the intron after coding-DNA position 729, G replaced by A.
Molecular consequence: intron variant.
Genome position (GRCh38, 1-based): chr17:81,847,238, C>T on the plus strand (G>A on the coding strand, the complement: P4HB is on the minus strand). VCF-style: chr17-81847238-C-T. GRCh37 (hg19) VCF-style: chr17-79805114-C-T.
Identifiers: ClinVar variation 4751689 (VCV004751689.1).